The following is an entry in ClinVar:

ClinVar aggregate classification (germline): Uncertain significance. Review status: reviewed by expert panel (3 of 4 stars). 3 submissions from 3 submitters: Uncertain significance (1). 2 of the submissions do not count toward it. Last evaluated 2020-07-25.

Conditions:
Phenylketonuria (PKU). Also called: OLIGOPHRENIA PHENYLPYRUVICA; Phenylketonuria (PKU); Phenylketonurias; FOLLING DISEASE. Identifiers: Orphanet 716, MedGen C0031485, MONDO:0009861, OMIM 261600. Disease mechanism: loss of function.

Submissions (3):

ClinGen PAH Variant Curation Expert Panel
Classification: Uncertain significance for Phenylketonuria. Last evaluated: 2020-07-25. Review status: reviewed by expert panel. Criteria: ClinGen PAH ACMG Specifications v1. Collection method: curation. Allele origin: germline. Inheritance: Autosomal recessive inheritance.
Comment: (PAH):c.1066-13T>G is an intronic variant with conflicting in silico evidence in splicing impact. This variant was documented in a patient with moderate PKU in trans with pathogenic variant p.R243Q (PMID 24705691). This variant is absent from population databases. In summary, this variant has insufficient evidence and is classified as uncertain significance for PAH. PAH-specific ACMG/AMP criteria applied: PM2, PM3, and PP4.

Natera, Inc.
Classification: Likely pathogenic for Phenylketonuria. Last evaluated: 2025-10-09. Review status: criteria provided, single submitter. Criteria: Natera Variant Classification Schema (03/2026). Collection method: clinical testing. Allele origin: germline. Not counted in ClinVar's aggregate classification.
Comment: The c.1066-13T>G variant in PAH is an intronic variant located outside the canonical splice sites. This variant is rare in the general population with a frequency below the threshold expected for the associated phenotype(s). This variant has been observed in one or more individuals affected with the associated recessive disease, as either homozygous or compound heterozygous with a second variant (PMID: 24705691, 29499199, 38582244). Given the available evidence, this variant is classified as Likely Pathogenic.

Baylor Genetics
Classification: Likely pathogenic for Phenylketonuria. Last evaluated: 2023-05-02. Review status: criteria provided, single submitter. Criteria: ACMG Guidelines, 2015. Collection method: clinical testing. Allele origin: unknown. Not counted in ClinVar's aggregate classification.

Literature cited by the submitters: PubMed 24705691 (cited by Natera, Inc.); PubMed 29499199 (cited by Natera, Inc.); PubMed 38582244 (cited by Natera, Inc.).

NM_000277.3(PAH):c.1066-13T>G

Gene: PAH (phenylalanine hydroxylase; minus strand). Cytogenetic location: 12q23.2.
Variant type: single nucleotide variant.
Coding change: c.1066-13T>G on transcript NM_000277.3 (MANE Select); 13 bases into the intron before coding-DNA position 1066, T replaced by G.
Molecular consequence: intron variant.
Genome position (GRCh38, 1-based): chr12:102,843,792, A>C on the plus strand (T>G on the coding strand, the complement: PAH is on the minus strand). VCF-style: chr12-102843792-A-C. GRCh37 (hg19) VCF-style: chr12-103237570-A-C.
Other names: c.1066-13T>G (NM_000277.2, NM_001354304.2).
Identifiers: ClinVar variation 987758 (VCV000987758.3), dbSNP rs1435691439, ClinGen allele CA16020925.